The following is an entry in ClinVar:

NM_000136.3(FANCC):c.128A>G (p.Glu43Gly)

Gene: FANCC (FA complementation group C; minus strand). Cytogenetic location: 9q22.32.
Variant type: single nucleotide variant.
Coding change: c.128A>G on transcript NM_000136.3 (MANE Select); coding-DNA position 128, A replaced by G.
Protein change: p.Glu43Gly; replaces glutamic acid 43 with glycine.
Molecular consequence: missense variant.
Genome position (GRCh38, 1-based): chr9:95,249,164, T>C on the plus strand (A>G on the coding strand, the complement: FANCC is on the minus strand). VCF-style: chr9-95249164-T-C. GRCh37 (hg19) VCF-style: chr9-98011446-T-C.
Other names: c.128A>G, p.Glu43Gly (NM_001243743.2, NM_001243744.2); short protein forms E43G.
Identifiers: ClinVar variation 4746484 (VCV004746484.1).

ClinVar aggregate classification (germline): Uncertain significance (1 of 4 stars; one submission).

Conditions:
Fanconi anemia (FA). Also called: Fanconi's anemia. Identifiers: Orphanet 84, MedGen C0015625, MeSH D005199, MONDO:0019391.

Submission:

Labcorp Genetics (formerly Invitae), Labcorp
Classification: Uncertain significance for Fanconi anemia. Last evaluated: 2025-05-30. Review status: criteria provided, single submitter. Criteria: Invitae Variant Classification Sherloc (09022015). Collection method: clinical testing. Allele origin: germline.
Comment: This sequence change replaces glutamic acid, which is acidic and polar, with glycine, which is neutral and non-polar, at codon 43 of the FANCC protein (p.Glu43Gly). This variant is not present in population databases (gnomAD no frequency). This variant has not been reported in the literature in individuals affected with FANCC-related conditions. Invitae Evidence Modeling of protein sequence and biophysical properties (such as structural, functional, and spatial information, amino acid conservation, physicochemical variation, residue mobility, and thermodynamic stability) has been performed for this missense variant. However, the output from this modeling did not meet the statistical confidence thresholds required to predict the impact of this variant on FANCC protein function. In summary, the available evidence is currently insufficient to determine the role of this variant in disease. Therefore, it has been classified as a Variant of Uncertain Significance.